The following is an entry in ClinVar:

ClinVar aggregate classification (germline): Uncertain significance. Review status: criteria provided, multiple submitters, no conflicts (2 of 4 stars). 2 submissions from 2 submitters: Uncertain significance (2). Last evaluated 2024-04-24.

gnomAD v4.1: 6 of 1,569,742 alleles (0.00038%); highest among the groups gnomAD compares: Non-Finnish European, 0.00052%; no homozygotes.

Submissions (2):

Ambry Genetics
Classification: Uncertain significance. Last evaluated: 2024-04-24. Review status: criteria provided, single submitter. Criteria: Ambry Variant Classification Scheme 2023. Collection method: clinical testing. Allele origin: germline.

Labcorp Genetics (formerly Invitae), Labcorp
Classification: Uncertain significance. Last evaluated: 2024-03-19. Review status: criteria provided, single submitter. Criteria: Invitae Variant Classification Sherloc (09022015). Collection method: clinical testing. Allele origin: germline.
Comment: This sequence change replaces alanine, which is neutral and non-polar, with glycine, which is neutral and non-polar, at codon 338 of the EEF2 protein (p.Ala338Gly). This variant is present in population databases (no rsID available, gnomAD 0.007%). This variant has not been reported in the literature in individuals affected with EEF2-related conditions. An algorithm developed to predict the effect of missense changes on protein structure and function (PolyPhen-2) suggests that this variant is likely to be tolerated. In summary, the available evidence is currently insufficient to determine the role of this variant in disease. Therefore, it has been classified as a Variant of Uncertain Significance.

NM_001961.4(EEF2):c.1013C>G (p.Ala338Gly)

Gene: EEF2 (eukaryotic translation elongation factor 2; minus strand). Cytogenetic location: 19p13.3.
Variant type: single nucleotide variant.
Coding change: c.1013C>G on transcript NM_001961.4 (MANE Select); coding-DNA position 1013, C replaced by G.
Protein change: p.Ala338Gly; replaces alanine 338 with glycine.
Molecular consequence: missense variant.
Genome position (GRCh38, 1-based): chr19:3,980,978, G>C on the plus strand (C>G on the coding strand, the complement: EEF2 is on the minus strand). VCF-style: chr19-3980978-G-C. GRCh37 (hg19) VCF-style: chr19-3980976-G-C.
Other names: short protein forms A338G.
Identifiers: ClinVar variation 3274552 (VCV003274552.3).